The following is an entry in ClinVar:

ClinVar aggregate classification (germline): Uncertain significance (1 of 4 stars; one submission).

Allele frequency attached by ClinVar (database versions not stated): TOPMed below 0.00001; gnomAD 0.00001; gnomAD exomes 0.00001 and 0.00002.

Submission:

Labcorp Genetics (formerly Invitae), Labcorp
Classification: Uncertain significance. Last evaluated: 2024-05-02. Review status: criteria provided, single submitter. Criteria: Invitae Variant Classification Sherloc (09022015). Collection method: clinical testing. Allele origin: germline.
Comment: This sequence change creates a premature translational stop signal (p.Leu16Valfs*2) in the ANKZF1 gene. It is expected to result in an absent or disrupted protein product. However, the current clinical and genetic evidence is not sufficient to establish whether loss-of-function variants in ANKZF1 cause disease. This variant is present in population databases (no rsID available, gnomAD 0.002%). This variant has not been reported in the literature in individuals affected with ANKZF1-related conditions. ClinVar contains an entry for this variant (Variation ID: 1417380). In summary, the available evidence is currently insufficient to determine the role of this variant in disease. Therefore, it has been classified as a Variant of Uncertain Significance.

NM_018089.3(ANKZF1):c.46_47del (p.Leu16fs)

Gene: ANKZF1 (ankyrin repeat and zinc finger peptidyl tRNA hydrolase 1; plus strand). Cytogenetic location: 2q35.
Variant type: Deletion.
Coding change: c.46_47del on transcript NM_018089.3 (MANE Select); coding-DNA positions 46 to 47, 2 bases deleted (CT; older notation c.46_47delCT).
Protein change: p.Leu16fs; shifts the reading frame from leucine 16.
Molecular consequence: frameshift variant. On other transcripts: intron variant (1).
Genome position (GRCh38, 1-based): chr2:219,230,303-219,230,304, CT deleted. VCF-style (leftmost placement, unchanged base first): chr2-219230302-CCT-C. GRCh37 (hg19) VCF-style: chr2-220095024-CCT-C.
Other names: c.46_47del, p.Leu16fs (NM_001042410.2); c.-267+403_-267+404del (NM_001282792.2); short protein forms L16fs.
Identifiers: ClinVar variation 1417380 (VCV001417380.6), dbSNP rs1460438635, ClinGen allele CA539631727.
Genomic context (GRCh38, chr2:219,230,302, plus strand): 5'-TAATTTCTGCTCAGCCATGTCGCCGGCTCCAGATGCAGCCCCGGCTCCTGCGTCGATCTC[CCT>C]GTTTGACCTCAGCGCGGATGCTCCGGTCTTTCAGGGCCTGAGCCTGGTGAGCCACGCGCC-3'